The following is an entry in ClinVar:

NM_001365276.2(TNXB):c.1244A>T (p.Glu415Val)

Gene: TNXB (tenascin XB; minus strand). Cytogenetic location: 6p21.33.
Variant type: single nucleotide variant.
Coding change: c.1244A>T on transcript NM_001365276.2 (MANE Select); coding-DNA position 1244, A replaced by T.
Protein change: p.Glu415Val; replaces glutamic acid 415 with valine.
Molecular consequence: missense variant.
Genome position (GRCh38, 1-based): chr6:32,096,609, T>A on the plus strand (A>T on the coding strand, the complement: TNXB is on the minus strand). VCF-style: chr6-32096609-T-A. GRCh37 (hg19) VCF-style: chr6-32064386-T-A.
Other names: c.1244A>T, p.Glu415Val (NM_001428335.1, NM_019105.8); short protein forms E415V.
Identifiers: ClinVar variation 4865802 (VCV004865802.1).

ClinVar aggregate classification (germline): Uncertain significance (1 of 4 stars; one submission).

Conditions:
Cardiovascular phenotype. Identifiers: MedGen CN230736.

Submission:

Ambry Genetics
Classification: Uncertain significance for Cardiovascular phenotype. Last evaluated: 2026-03-15. Review status: criteria provided, single submitter. Criteria: Ambry Variant Classification Scheme 2023. Collection method: clinical testing. Allele origin: germline.
Comment: The p.E415V variant (also known as c.1244A>T), located in coding exon 2 of the TNXB gene, results from an A to T substitution at nucleotide position 1244. The glutamic acid at codon 415 is replaced by valine, an amino acid with dissimilar properties. This amino acid position is conserved. In addition, this alteration is predicted to be tolerated by in silico analysis. Based on the available evidence, the clinical significance of this variant remains unclear.